The following is an entry in ClinVar:

ClinVar aggregate classification (germline): Uncertain significance (1 of 4 stars; one submission).

Conditions:
Rhabdoid tumor predisposition syndrome 2 (RTPS2). Identifiers: Orphanet 231108, Orphanet 69077, MedGen C2750074, MONDO:0013224, OMIM 613325.

Submission:

Labcorp Genetics (formerly Invitae), Labcorp
Classification: Uncertain significance for Rhabdoid tumor predisposition syndrome 2. Last evaluated: 2025-11-24. Review status: criteria provided, single submitter. Criteria: Invitae Variant Classification Sherloc (09022015). Collection method: clinical testing. Allele origin: germline.
Comment: This sequence change replaces aspartic acid, which is acidic and polar, with asparagine, which is neutral and polar, at codon 485 of the SMARCA4 protein (p.Asp485Asn). This variant is not present in population databases (gnomAD no frequency). This variant has not been reported in the literature in individuals affected with SMARCA4-related conditions. Invitae Evidence Modeling of protein sequence and biophysical properties (such as structural, functional, and spatial information, amino acid conservation, physicochemical variation, residue mobility, and thermodynamic stability) indicates that this missense variant is expected to disrupt SMARCA4 protein function with a positive predictive value of 95%. In summary, the available evidence is currently insufficient to determine the role of this variant in disease. Therefore, it has been classified as a Variant of Uncertain Significance.

NM_003072.5(SMARCA4):c.1453G>A (p.Asp485Asn)

Gene: SMARCA4 (SWI/SNF related BAF chromatin remodeling complex subunit ATPase 4; plus strand). Cytogenetic location: 19p13.2.
Variant type: single nucleotide variant.
Coding change: c.1453G>A on transcript NM_003072.5 (MANE Select); coding-DNA position 1453, G replaced by A.
Protein change: p.Asp485Asn; replaces aspartic acid 485 with asparagine.
Molecular consequence: missense variant. On other transcripts: non-coding transcript variant (1).
Genome position (GRCh38, 1-based): chr19:10,994,861, G>A. VCF-style: chr19-10994861-G-A. GRCh37 (hg19) VCF-style: chr19-11105537-G-A.
Other names: c.1453G>A, p.Asp485Asn (NM_001128844.3, NM_001128845.2, NM_001128846.2 and 6 more transcripts); short protein forms D485N.
Identifiers: ClinVar variation 4802553 (VCV004802553.1).